The following is an entry in ClinVar:

NM_007294.4(BRCA1):c.5019del (p.His1673fs)

Gene: BRCA1 (BRCA1 DNA repair associated; minus strand). Cytogenetic location: 17q21.31.
Variant type: Deletion.
Coding change: c.5019del on transcript NM_007294.4 (MANE Select); coding-DNA position 5019, one base deleted (C; older notation c.5019delC).
Protein change: p.His1673fs; shifts the reading frame from histidine 1673.
Molecular consequence: frameshift variant. On other transcripts: non-coding transcript variant (1).
Genome position (GRCh38, 1-based): chr17:43,067,663, G deleted on the plus strand (C on the coding strand, the reverse complement: BRCA1 is on the minus strand). VCF-style (leftmost placement, unchanged base first): chr17-43067662-TG-T. GRCh37 (hg19) VCF-style: chr17-41219679-TG-T.
Other names: 5138delC; c.5019delC, p.His1673Glnfs (NM_007294.3, NM_001407652.1, NM_001407684.1 and 9 more transcripts); c.4878del, p.His1626fs (NM_007297.4); c.1707delC, p.His569Glnfs (NM_007298.4, NM_007304.2, NM_001407979.1 and 12 more transcripts); c.1707del, p.His569fs (NM_007299.4); c.5082del, p.His1694fs (NM_007300.4); c.5016delC, p.His1672Glnfs (NM_001407612.1, NM_001407613.1, NM_001407614.1 and 17 more transcripts); c.5013delC, p.His1671Glnfs (NM_001407627.1, NM_001407628.1, NM_001407629.1 and 14 more transcripts); and 74 more; short protein forms H1626fs, H1673fs, H569fs, H1694fs.
Identifiers: ClinVar variation 266510 (VCV000266510.17), dbSNP rs886040260, ClinGen allele CA10589632.

ClinVar aggregate classification (germline): Pathogenic. Review status: reviewed by expert panel (3 of 4 stars). 4 submissions from 4 submitters: Pathogenic (1). 3 of the submissions do not count toward it. Last evaluated 2016-10-18.

Conditions:
Hereditary breast ovarian cancer syndrome. Also called: Hereditary breast and ovarian cancer syndrome (HBOC); Breast and ovarian cancer; Hereditary breast and ovarian cancer syndrome; Hereditary breast and ovarian cancer; BRCA1- and BRCA2-Associated Hereditary Breast and Ovarian Cancer; Hereditary breast and/or ovarian cancer syndrome. Identifiers: Orphanet 145, MedGen C0677776, MeSH D061325, MONDO:0003582. Disease mechanism: loss of function.
Breast-ovarian cancer, familial, susceptibility to, 1 (BROVCA1). Also called: BRCA1 Hereditary Breast and Ovarian Cancer; OVARIAN CANCER, SUSCEPTIBILITY TO. Identifiers: Orphanet 145, MedGen C2676676, MONDO:0011450, OMIM 604370. Disease mechanism: loss of function.

Submissions (4):

Evidence-based Network for the Interpretation of Germline Mutant Alleles (ENIGMA)
Classification: Pathogenic for Breast-ovarian cancer, familial, susceptibility to, 1. Last evaluated: 2016-10-18. Review status: reviewed by expert panel. Criteria: ENIGMA BRCA1/2 Classification Criteria (2015). Collection method: curation. Allele origin: germline.
Comment: Variant allele predicted to encode a truncated non-functional protein.

Labcorp Genetics (formerly Invitae), Labcorp
Classification: Pathogenic for Hereditary breast ovarian cancer syndrome. Last evaluated: 2019-08-29. Review status: criteria provided, single submitter. Criteria: Invitae Variant Classification Sherloc (09022015). Collection method: clinical testing. Allele origin: germline. Not counted in ClinVar's aggregate classification.
Comment: For these reasons, this variant has been classified as Pathogenic. Loss-of-function variants in BRCA1 are known to be pathogenic (PMID: 20104584). This variant has been reported in individuals in the Leiden Open-source Variation Database (PMID: 21520333). ClinVar contains an entry for this variant (Variation ID: 266510). This variant is not present in population databases (ExAC no frequency). This sequence change creates a premature translational stop signal (p.His1673Glnfs*4) in the BRCA1 gene. It is expected to result in an absent or disrupted protein product.

Quest Diagnostics Nichols Institute San Juan Capistrano
Classification: Pathogenic. Last evaluated: 2019-03-04. Review status: criteria provided, single submitter. Criteria: Quest Diagnostics criteria. Collection method: clinical testing. Allele origin: germline. Not counted in ClinVar's aggregate classification.
Comment: The variant results in a shift of the reading frame, and is therefore predicted to result in the loss of a functional protein. Found in at least one symptomatic patient, and not found in general population data.

Consortium of Investigators of Modifiers of BRCA1/2 (CIMBA), c/o University of Cambridge
Classification: Pathogenic for Breast-ovarian cancer, familial, susceptibility to, 1. Last evaluated: 2015-10-02. Review status: criteria provided, single submitter. Criteria: CIMBA Mutation Classification guidelines May 2016. Collection method: clinical testing. Allele origin: germline. Not counted in ClinVar's aggregate classification.

Literature cited by the submitters: PubMed 20104584 (cited by Labcorp Genetics (formerly Invitae), Labcorp); PubMed 21520333 (cited by Labcorp Genetics (formerly Invitae), Labcorp); PubMed 29446198 (cited by Quest Diagnostics Nichols Institute San Juan Capistrano).